The following is an entry in ClinVar:

NM_004733.4(SLC33A1):c.1498G>T (p.Gly500Cys)

Gene: SLC33A1 (solute carrier family 33 member 1; minus strand). Cytogenetic location: 3q25.31.
Variant type: single nucleotide variant.
Coding change: c.1498G>T on transcript NM_004733.4 (MANE Select); coding-DNA position 1498, G replaced by T.
Protein change: p.Gly500Cys; replaces glycine 500 with cysteine.
Molecular consequence: missense variant.
Genome position (GRCh38, 1-based): chr3:155,828,362, C>A on the plus strand (G>T on the coding strand, the complement: SLC33A1 is on the minus strand). VCF-style: chr3-155828362-C-A. GRCh37 (hg19) VCF-style: chr3-155546151-C-A.
Other names: c.1498G>T, p.Gly500Cys (NM_001190992.2); c.1192G>T, p.Gly398Cys (NM_001363883.1); short protein forms G398C, G500C.
Identifiers: ClinVar variation 648313 (VCV000648313.8), dbSNP rs528636548, ClinGen allele CA2677222.
Genomic context (GRCh38, chr3:155,828,362, plus strand): 5'-TGAAAACACAAATAATGGACTCCACATAATAACCATCCAGGGCTGTAACACATGAGCCAC[C>A]CAGTTTTTTGCAAAGCTGTAAAAATAAAACTATAATAAATACTCCACAATTTCAAAATGA-3'
Protein context (NP_004724.1, residues 490-510): PDAVELCKKL[Gly500Cys]GSCVTALDGY

ClinVar aggregate classification (germline): Uncertain significance. Review status: criteria provided, multiple submitters, no conflicts (2 of 4 stars). 3 submissions from 3 submitters: Uncertain significance (3). Last evaluated 2023-06-02.

Conditions:
Spastic paraplegia. Identifiers: MedGen C0037772, HP:0001258.
Inborn genetic diseases. Identifiers: MedGen C0950123, MeSH D030342.

Allele frequency attached by ClinVar (database versions not stated): gnomAD exomes 0.00002; 1000 Genomes Project 30x 0.00016; 1000 Genomes Project 0.00020; gnomAD 0.00023 and 0.00025; TOPMed 0.00043.
gnomAD v4.1: 76 of 1,603,120 alleles (0.0047%); highest among the groups gnomAD compares: Admixed American, 0.07%; no homozygotes.

Submissions (3):

Blueprint Genetics
Classification: Uncertain significance. Last evaluated: 2023-06-02. Review status: criteria provided, single submitter. Criteria: ACMG Guidelines, 2015. Collection method: clinical testing. Allele origin: germline.

Labcorp Genetics (formerly Invitae), Labcorp
Classification: Uncertain significance for Spastic paraplegia. Last evaluated: 2022-07-19. Review status: criteria provided, single submitter. Criteria: Invitae Variant Classification Sherloc (09022015). Collection method: clinical testing. Allele origin: germline.
Comment: This sequence change replaces glycine, which is neutral and non-polar, with cysteine, which is neutral and slightly polar, at codon 500 of the SLC33A1 protein (p.Gly500Cys). This variant is present in population databases (rs528636548, gnomAD 0.01%). This variant has not been reported in the literature in individuals affected with SLC33A1-related conditions. ClinVar contains an entry for this variant (Variation ID: 648313). Algorithms developed to predict the effect of missense changes on protein structure and function are either unavailable or do not agree on the potential impact of this missense change (SIFT: "Deleterious"; PolyPhen-2: "Possibly Damaging"; Align-GVGD: "Class C15"). Algorithms developed to predict the effect of sequence changes on RNA splicing suggest that this variant may create or strengthen a splice site. In summary, the available evidence is currently insufficient to determine the role of this variant in disease. Therefore, it has been classified as a Variant of Uncertain Significance.

Ambry Genetics
Classification: Uncertain significance for Inborn genetic diseases. Last evaluated: 2021-09-17. Review status: criteria provided, single submitter. Criteria: Ambry Variant Classification Scheme 2023. Collection method: clinical testing. Allele origin: germline.